The following is an entry in ClinVar:

ClinVar aggregate classification (germline): Conflicting classifications of pathogenicity. Review status: criteria provided, conflicting classifications (1 of 4 stars). 4 submissions from 4 submitters: Uncertain significance (3); Likely benign (1). Last evaluated 2026-09-14.

Conditions:
Inborn genetic diseases. Identifiers: MedGen C0950123, MeSH D030342.
MAGEL2-related disorder. Also called: MAGEL2-related condition.

Allele frequency attached by ClinVar (database versions not stated): gnomAD exomes 0.00008 and 0.00004; gnomAD 0.00009 and 0.00007; ExAC 0.00005; TOPMed 0.00006.

Submissions (4):

Ambry Genetics
Classification: Likely benign for Inborn genetic diseases. Last evaluated: 2026-09-14. Review status: criteria provided, single submitter. Criteria: Ambry Variant Classification Scheme 2023. Collection method: clinical testing. Allele origin: germline.

PreventionGenetics, part of Exact Sciences
Classification: Uncertain significance for MAGEL2-related condition. Last evaluated: 2026-01-29. Review status: criteria provided, single submitter. Criteria: ACMG Guidelines, 2015. Collection method: clinical testing. Allele origin: germline.
Comment: The MAGEL2 c.2738C>T variant is predicted to result in the amino acid substitution p.Pro913Leu. To our knowledge, this variant has not been reported in the literature. This variant is present in 0.058% of alleles in individuals of Ashkenazi Jewish descent in gnomAD, which may be too common to be an unreported cause of disease. Although we suspect that this variant may be benign, at this time, the clinical significance of this variant is uncertain due to the absence of conclusive functional and genetic evidence.

Labcorp Genetics (formerly Invitae), Labcorp
Classification: Uncertain significance. Last evaluated: 2025-07-02. Review status: criteria provided, single submitter. Criteria: Invitae Variant Classification Sherloc (09022015). Collection method: clinical testing. Allele origin: germline.
Comment: This sequence change replaces proline, which is neutral and non-polar, with leucine, which is neutral and non-polar, at codon 913 of the MAGEL2 protein (p.Pro913Leu). This variant is present in population databases (rs778826873, gnomAD 0.07%). This variant has not been reported in the literature in individuals affected with MAGEL2-related conditions. ClinVar contains an entry for this variant (Variation ID: 193413). Invitae Evidence Modeling of protein sequence and biophysical properties (such as structural, functional, and spatial information, amino acid conservation, physicochemical variation, residue mobility, and thermodynamic stability) indicates that this missense variant is not expected to disrupt MAGEL2 protein function with a negative predictive value of 80%. In summary, the available evidence is currently insufficient to determine the role of this variant in disease. Therefore, it has been classified as a Variant of Uncertain Significance.

Eurofins Ntd Llc (ga)
Classification: Uncertain significance. Last evaluated: 2018-03-29. Review status: criteria provided, single submitter. Criteria: EGL ClinVar v180209 classification definitions. Collection method: clinical testing. Allele origin: germline. Observed: 2 variant alleles, 2 heterozygotes.

NM_019066.5(MAGEL2):c.2738C>T (p.Pro913Leu)

Gene: MAGEL2 (MAGE family member L2; minus strand). Cytogenetic location: 15q11.2.
Variant type: single nucleotide variant.
Coding change: c.2738C>T on transcript NM_019066.5 (MANE Select); coding-DNA position 2738, C replaced by T.
Protein change: p.Pro913Leu; replaces proline 913 with leucine.
Molecular consequence: missense variant.
Genome position (GRCh38, 1-based): chr15:23,645,005, G>A on the plus strand (C>T on the coding strand, the complement: MAGEL2 is on the minus strand). VCF-style: chr15-23645005-G-A. GRCh37 (hg19) VCF-style: chr15-23890152-G-A.
Other names: c.2738C>T (NM_019066.4); short protein forms P913L.
Identifiers: ClinVar variation 193413 (VCV000193413.13), dbSNP rs778826873, ClinGen allele CA238937.